The following is an entry in ClinVar:

ClinVar aggregate classification (germline): Uncertain significance (1 of 4 stars; one submission).

Submission:

GeneDx
Classification: Uncertain significance. Last evaluated: 2024-11-18. Review status: criteria provided, single submitter. Criteria: GeneDx Variant Classification Process June 2021. Collection method: clinical testing. Allele origin: germline. Affected: yes.
Comment: In-frame deletion of 6 amino acids in a non-repeat region; In silico analysis supports a deleterious effect on protein structure/function; Has not been previously published as pathogenic or benign to our knowledge

NM_001127222.2(CACNA1A):c.6723_6740del (p.Asp2242_Arg2247del)

Genes: CACNA1A (calcium voltage-gated channel subunit alpha1 A; minus strand), LOC130063717 (ATAC-STARR-seq lymphoblastoid silent region 10203; plus strand). Cytogenetic location: 19p13.13.
Variant type: Deletion.
Coding change: c.6723_6740del on transcript NM_001127222.2 (MANE Select); coding-DNA positions 6723 to 6740, 18 bases deleted (GGACCAGCGCTGGTCCCG).
Protein change: p.Asp2242_Arg2247del.
Molecular consequence: inframe indel (on NM_001127221.1).
Genome position (GRCh38, 1-based): chr19:13,208,796-13,208,813, CGGGACCAGCGCTGGTCC deleted on the plus strand (GGACCAGCGCTGGTCCCG on the coding strand, the reverse complement: CACNA1A is on the minus strand); deleting any 18 consecutive bases within chr19:13,208,796-13,208,815 gives the same sequence; the c. name uses the placement nearest the transcript's 3' end. VCF-style (leftmost placement, unchanged base first): chr19-13208795-GCGGGACCAGCGCTGGTCC-G. GRCh37 (hg19) VCF-style: chr19-13319609-GCGGGACCAGCGCTGGTCC-G.
Other names: c.6741_6758del, p.Asp2248_Arg2253del (NM_000068.4, NM_023035.3); c.6724_6741del18, p.Asp2243_Arg2248del (NM_001127221.1); c.6726_6743del, p.Asp2243_Arg2248del (NM_001127221.2); c.6732_6749del, p.Asp2245_Arg2250del (NM_001174080.2).
Identifiers: ClinVar variation 3900239 (VCV003900239.1).
Genomic context (GRCh38, chr19:13,208,795, plus strand): 5'-GTCACTTGCAGCCGCACCCACCTGCCGGTGCGCCATGTGCTCTCGGCCCTCGCTGGGCGA[GCGGGACCAGCGCTGGTCC>G]CGAGCCCGTGCCCGGCCGTGGTCCGGCCGTTCCTGGGCATAGCGGTCCTTGTCGGGGGGC-3'